The following is an entry in ClinVar:

NM_000352.6(ABCC8):c.2204G>A (p.Gly735Glu)

Gene: ABCC8 (ATP binding cassette subfamily C member 8; minus strand). Cytogenetic location: 11p15.1.
Variant type: single nucleotide variant.
Coding change: c.2204G>A on transcript NM_000352.6 (MANE Select); coding-DNA position 2204, G replaced by A.
Protein change: p.Gly735Glu; replaces glycine 735 with glutamic acid.
Molecular consequence: missense variant. On other transcripts: non-coding transcript variant (1).
Genome position (GRCh38, 1-based): chr11:17,427,067, C>T on the plus strand (G>A on the coding strand, the complement: ABCC8 is on the minus strand). VCF-style: chr11-17427067-C-T. GRCh37 (hg19) VCF-style: chr11-17448614-C-T.
Other names: c.2204G>A, p.Gly735Glu (NM_001287174.3); c.2270G>A, p.Gly757Glu (NM_001351295.2); c.2201G>A, p.Gly734Glu (NM_001351296.2, NM_001351297.2); short protein forms G734E, G735E, G757E.
Identifiers: ClinVar variation 2137017 (VCV002137017.4), dbSNP rs1356317869, ClinGen allele CA379813472.
Genomic context (GRCh38, chr11:17,427,067, plus strand): 5'-GGAGATTTCCCCTCCACTGGGCCCTGAGGATACATGTATTACCTGCTCCAGAAGACAGCC[C>T]CTGAGACCTTCTGCATCTCCCCCAGTGCGGCTAGAAGGAGCGAGGACTTGCCGCAGCCCA-3'
Protein context (NP_000343.2, residues 725-745): AALGEMQKVS[Gly735Glu]AVFWSSLPDS

ClinVar aggregate classification (germline): Likely pathogenic (1 of 4 stars; one submission).

gnomAD v4.1: 10 of 1,613,990 alleles (0.00062%); highest among the groups gnomAD compares: Non-Finnish European, 0.00085%; no homozygotes.

Submission:

Labcorp Genetics (formerly Invitae), Labcorp
Classification: Likely pathogenic. Last evaluated: 2022-03-21. Review status: criteria provided, single submitter. Criteria: Invitae Variant Classification Sherloc (09022015). Collection method: clinical testing. Allele origin: germline.
Comment: This sequence change replaces glycine, which is neutral and non-polar, with glutamic acid, which is acidic and polar, at codon 735 of the ABCC8 protein (p.Gly735Glu). This variant is not present in population databases (gnomAD no frequency). This missense change has been observed in individual(s) with autosomal recessive hyperinsulinism (PMID: 23345197). In at least one individual the data is consistent with being in trans (on the opposite chromosome) from a pathogenic variant. Advanced modeling of protein sequence and biophysical properties (such as structural, functional, and spatial information, amino acid conservation, physicochemical variation, residue mobility, and thermodynamic stability) performed at Invitae indicates that this missense variant is expected to disrupt ABCC8 protein function. In summary, the currently available evidence indicates that the variant is pathogenic, but additional data are needed to prove that conclusively. Therefore, this variant has been classified as Likely Pathogenic.

Literature cited by the submitters: PubMed 23345197.